The following is an entry in ClinVar:

NM_017649.5(CNNM2):c.*528G>A

Gene: CNNM2 (cyclin and CBS domain divalent metal cation transport mediator 2; plus strand). Cytogenetic location: 10q24.32.
Variant type: single nucleotide variant.
Coding change: c.*528G>A on transcript NM_017649.5 (MANE Select); 528 bases downstream of the stop codon, G replaced by A.
Molecular consequence: 3 prime UTR variant.
Genome position (GRCh38, 1-based): chr10:103,077,708, G>A. VCF-style: chr10-103077708-G-A. GRCh37 (hg19) VCF-style: chr10-104837465-G-A.
Other names: c.*528G>A (NM_199076.3).
Identifiers: ClinVar variation 298657 (VCV000298657.7), dbSNP rs3740388, ClinGen allele CA10627969.

ClinVar aggregate classification (germline): Benign. Review status: criteria provided, multiple submitters, no conflicts (2 of 4 stars). 3 submissions from 3 submitters: Benign (3). Last evaluated 2026-05-19.

Conditions:
Renal hypomagnesemia 6. Identifiers: Orphanet 34527, MedGen C3151295, MONDO:0013480, OMIM 613882.

Allele frequency attached by ClinVar (database versions not stated): gnomAD 0.00255 and 0.00403; TOPMed 0.00361; gnomAD exomes 0.00605; 1000 Genomes Project 30x 0.01608; 1000 Genomes Project 0.01817.
gnomAD v4.1: 642 of 157,568 alleles (0.41%); highest among the groups gnomAD compares: East Asian, 7%; 18 homozygotes.

Submissions (3):

Revvity Omics, Revvity
Classification: Benign. Last evaluated: 2026-05-19. Review status: criteria provided, single submitter. Criteria: ACMG Guidelines, 2015. Collection method: clinical testing. Allele origin: germline.

Illumina Laboratory Services, Illumina
Classification: Benign for Renal hypomagnesemia 6. Last evaluated: 2018-01-12. Review status: criteria provided, single submitter. Criteria: ICSL Variant Classification Criteria 13 December 2019. Collection method: clinical testing. Allele origin: germline.
Comment: This variant was observed in the ICSL laboratory as part of a predisposition screen in an ostensibly healthy population. It had not been previously curated by ICSL or reported in the Human Gene Mutation Database (HGMD: prior to June 1st, 2018), and was therefore a candidate for classification through an automated scoring system. Utilizing variant allele frequency, disease prevalence and penetrance estimates, and inheritance mode, an automated score was calculated to assess if this variant is too frequent to cause the disease. Based on the score and internal cut-off values, a variant classified as benign is not then subjected to further curation. The score for this variant resulted in a classification of benign for this disease.

Breakthrough Genomics
Classification: Benign. Review status: criteria provided, single submitter. Criteria: ACMG Guidelines, 2015. Collection method: not provided. Allele origin: germline. Inheritance: Autosomal dominant inheritance. Affected: yes.